The following is an entry in ClinVar:

NM_024753.5(TTC21B):c.3892A>G (p.Thr1298Ala)

Gene: TTC21B (tetratricopeptide repeat domain 21B; minus strand). Cytogenetic location: 2q24.3.
Variant type: single nucleotide variant.
Coding change: c.3892A>G on transcript NM_024753.5 (MANE Select); coding-DNA position 3892, A replaced by G.
Protein change: p.Thr1298Ala; replaces threonine 1298 with alanine.
Molecular consequence: missense variant.
Genome position (GRCh38, 1-based): chr2:165,874,814, T>C on the plus strand (A>G on the coding strand, the complement: TTC21B is on the minus strand). VCF-style: chr2-165874814-T-C. GRCh37 (hg19) VCF-style: chr2-166731324-T-C.
Other names: p.Thr1298Ala; c.3892A>G (NM_024753.3, NM_024753.4); short protein forms T1298A.
Identifiers: ClinVar variation 2936133 (VCV002936133.7), dbSNP rs142512424, ClinGen allele CA1941343.

ClinVar aggregate classification (germline): Conflicting classifications of pathogenicity. Review status: criteria provided, conflicting classifications (1 of 4 stars). 5 submissions from 5 submitters: Uncertain significance (4); Likely benign (1). Last evaluated 2026-09-10.

Conditions:
Inborn genetic diseases. Identifiers: MedGen C0950123, MeSH D030342.
Asphyxiating thoracic dystrophy 4 (SRTD4). Also called: SHORT-RIB THORACIC DYSPLASIA 4; SHORT-RIB THORACIC DYSPLASIA 4 WITH OR WITHOUT POLYDACTYLY. Identifiers: Orphanet 474, MedGen C3151185, MONDO:0013441, OMIM 613819.
Nephronophthisis 12 (NPHP12). Identifiers: Orphanet 655, MedGen C3151186, MONDO:0013442, OMIM 613820.
Jeune thoracic dystrophy. Also called: Jeune syndrome; Infantile thoracic dystrophy; Thoracic pelvic phalangeal dystrophy; Jeune's syndrome; Chondroectodermal dysplasia-like syndrome; Short-rib thoracic dysplasia. Identifiers: Orphanet 474, MedGen C0265275, MONDO:0018770.
Nephronophthisis. Also called: Juvenile Nephronophthisis. Identifiers: Orphanet 655, MedGen C0687120, MONDO:0019005, HP:0000090.
TTC21B-related disorder. Also called: TTC21B-related condition; TTC21B-related disorders.

Allele frequency attached by ClinVar (database versions not stated): ExAC 0.00001; gnomAD exomes 0.00001; TOPMed 0.00004; gnomAD 0.00005; ESP Exome Variant Server 0.00008.
gnomAD v4.1: 17 of 1,613,560 alleles (0.0011%); highest among the groups gnomAD compares: African/African-American, 0.017%; no homozygotes.

Submissions (5):

PreventionGenetics, part of Exact Sciences
Classification: Uncertain significance for TTC21B-related condition. Last evaluated: 2026-09-10. Review status: criteria provided, single submitter. Criteria: ACMG Guidelines, 2015. Collection method: clinical testing. Allele origin: germline.
Comment: The TTC21B c.3892A>G variant is predicted to result in the amino acid substitution p.Thr1298Ala. To our knowledge, this variant has not been reported in the literature. This variant is reported in 0.012% of alleles in individuals of African descent in gnomAD. At this time, the clinical significance of this variant is uncertain due to the absence of conclusive functional and genetic evidence.

Ambry Genetics
Classification: Uncertain significance for Inborn genetic diseases. Last evaluated: 2025-11-12. Review status: criteria provided, single submitter. Criteria: Ambry Variant Classification Scheme 2023. Collection method: clinical testing. Allele origin: germline.

Labcorp Genetics (formerly Invitae), Labcorp
Classification: Likely benign for Jeune thoracic dystrophy; Nephronophthisis. Last evaluated: 2024-04-20. Review status: criteria provided, single submitter. Criteria: Invitae Variant Classification Sherloc (09022015). Collection method: clinical testing. Allele origin: germline.

Mayo Clinic Laboratories, Mayo Clinic
Classification: Uncertain significance. Last evaluated: 2024-04-19. Review status: criteria provided, single submitter. Criteria: ACMG Guidelines, 2015. Collection method: clinical testing. Allele origin: germline. Observed: 1 variant allele.
Comment: BP4

Fulgent Genetics
Classification: Uncertain significance for Asphyxiating thoracic dystrophy 4; Nephronophthisis 12. Last evaluated: 2024-02-06. Review status: criteria provided, single submitter. Criteria: ACMG Guidelines, 2015. Collection method: clinical testing. Allele origin: germline.